The following is an entry in ClinVar:

NM_001042492.3(NF1):c.8314A>G (p.Ile2772Val)

Gene: NF1 (neurofibromin 1; plus strand). Cytogenetic location: 17q11.2.
Variant type: single nucleotide variant.
Coding change: c.8314A>G on transcript NM_001042492.3 (MANE Select); coding-DNA position 8314, A replaced by G.
Protein change: p.Ile2772Val; replaces isoleucine 2772 with valine.
Molecular consequence: missense variant.
Genome position (GRCh38, 1-based): chr17:31,360,640, A>G. VCF-style: chr17-31360640-A-G. GRCh37 (hg19) VCF-style: chr17-29687658-A-G.
Other names: c.8251A>G, p.Ile2751Val (NM_000267.4); short protein forms I2772V, I2751V.
Identifiers: ClinVar variation 1396602 (VCV001396602.10), dbSNP rs762336662, ClinGen allele CA8487787.
Genomic context (GRCh38, chr17:31,360,640, plus strand): 5'-GAAGAATCCCTCCTGACTCCCACATCTCCTTACCCTCCTGCACTGCAGAGCCAGCTTAGT[A>G]TCACTGCCAACCTTAACCTTTCTAATTCCATGACCTCACTTGCAACTTCCCAGCATTCCC-3'
Protein context (NP_001035957.1, residues 2762-2782): YPPALQSQLS[Ile2772Val]TANLNLSNSM

ClinVar aggregate classification (germline): Conflicting classifications of pathogenicity. Review status: criteria provided, conflicting classifications (1 of 4 stars). 2 submissions from 2 submitters: Uncertain significance (1); Likely benign (1). Last evaluated 2026-07-10.

Conditions:
Hereditary cancer-predisposing syndrome. Also called: Hereditary Cancer Syndrome; Neoplastic Syndromes, Hereditary; Hereditary neoplastic syndrome; Tumor predisposition. Identifiers: Orphanet 140162, MedGen C0027672, MeSH D009386, MONDO:0015356.
Cardiovascular phenotype. Identifiers: MedGen CN230736.
Neurofibromatosis, type 1 (NF1). Also called: Peripheral type neurofibromatosis; VON RECKLINGHAUSEN DISEASE; NEUROFIBROMATOSIS, TYPE I, SOMATIC; Neurofibromatosis, type I. Identifiers: Orphanet 636, MedGen C0027831, MONDO:0018975, OMIM 162200. Disease mechanism: loss of function.

Allele frequency attached by ClinVar (database versions not stated): gnomAD exomes below 0.00001; ExAC 0.00001.

Submissions (2):

Ambry Genetics
Classification: Likely benign for Cardiovascular phenotype; Hereditary cancer-predisposing syndrome. Last evaluated: 2026-07-10. Review status: criteria provided, single submitter. Criteria: Ambry Variant Classification Scheme 2023. Collection method: clinical testing. Allele origin: germline.

Labcorp Genetics (formerly Invitae), Labcorp
Classification: Uncertain significance for Neurofibromatosis, type 1. Last evaluated: 2025-02-20. Review status: criteria provided, single submitter. Criteria: Invitae Variant Classification Sherloc (09022015). Collection method: clinical testing. Allele origin: germline.
Comment: This sequence change replaces isoleucine, which is neutral and non-polar, with valine, which is neutral and non-polar, at codon 2751 of the NF1 protein (p.Ile2751Val). This variant is present in population databases (rs762336662, gnomAD 0.003%). This variant has not been reported in the literature in individuals affected with NF1-related conditions. ClinVar contains an entry for this variant (Variation ID: 1396602). Invitae Evidence Modeling of protein sequence and biophysical properties (such as structural, functional, and spatial information, amino acid conservation, physicochemical variation, residue mobility, and thermodynamic stability) indicates that this missense variant is not expected to disrupt NF1 protein function with a negative predictive value of 95%. In summary, the available evidence is currently insufficient to determine the role of this variant in disease. Therefore, it has been classified as a Variant of Uncertain Significance.